The following is an entry in ClinVar:

ClinVar aggregate classification (germline): Likely benign (1 of 4 stars; one submission).

Allele frequency attached by ClinVar (database versions not stated): TOPMed 0.00001.

Submission:

Women's Health and Genetics/Laboratory Corporation of America, LabCorp
Classification: Likely benign. Last evaluated: 2024-02-05. Review status: criteria provided, single submitter. Criteria: LabCorp Variant Classification Summary - May 2015. Collection method: clinical testing. Allele origin: germline.
Comment: Variant summary: ANKRD1 c.454-16A>T alters a non-conserved nucleotide located at a position not widely known to affect splicing. Consensus agreement among computation tools predict no significant impact on normal splicing. However, these predictions have yet to be confirmed by functional studies. The variant was absent in 249950 control chromosomes (gnomAD). The available data on variant occurrences in the general population are insufficient to allow any conclusion about variant significance. To our knowledge, no occurrence of c.454-16A>T in individuals affected with Cardiomyopathy and no experimental evidence demonstrating its impact on protein function have been reported. No submitters have reported clinical-significance assessments for this variant to ClinVar. Based on the evidence outlined above, the variant was classified as likely benign.

NM_014391.3(ANKRD1):c.454-16A>T

Gene: ANKRD1 (ankyrin repeat domain 1; minus strand). Cytogenetic location: 10q23.31.
Variant type: single nucleotide variant.
Coding change: c.454-16A>T on transcript NM_014391.3 (MANE Select); 16 bases into the intron before coding-DNA position 454, A replaced by T.
Molecular consequence: intron variant.
Genome position (GRCh38, 1-based): chr10:90,917,846, T>A on the plus strand (A>T on the coding strand, the complement: ANKRD1 is on the minus strand). VCF-style: chr10-90917846-T-A. GRCh37 (hg19) VCF-style: chr10-92677603-T-A.
Identifiers: ClinVar variation 3069085 (VCV003069085.2), dbSNP rs1022005009, ClinGen allele CA211423434.